The following is an entry in ClinVar:

ClinVar aggregate classification (germline): Uncertain significance (1 of 4 stars; one submission).

Allele frequency attached by ClinVar (database versions not stated): gnomAD 0.00001; gnomAD exomes 0.00001 and 0.00002; TOPMed 0.00001.

Submission:

Labcorp Genetics (formerly Invitae), Labcorp
Classification: Uncertain significance. Last evaluated: 2025-03-03. Review status: criteria provided, single submitter. Criteria: Invitae Variant Classification Sherloc (09022015). Collection method: clinical testing. Allele origin: germline.
Comment: This sequence change replaces methionine, which is neutral and non-polar, with threonine, which is neutral and polar, at codon 136 of the CFAP298 protein (p.Met136Thr). This variant is present in population databases (no rsID available, gnomAD 0.002%). This variant has not been reported in the literature in individuals affected with CFAP298-related conditions. ClinVar contains an entry for this variant (Variation ID: 1518794). An algorithm developed to predict the effect of missense changes on protein structure and function (PolyPhen-2) suggests that this variant is likely to be tolerated. In summary, the available evidence is currently insufficient to determine the role of this variant in disease. Therefore, it has been classified as a Variant of Uncertain Significance.

NM_021254.4(CFAP298):c.407T>C (p.Met136Thr)

Genes: CFAP298 (cilia and flagella associated protein 298; minus strand), CFAP298-TCP10L (CFAP298-TCP10L readthrough; minus strand). Cytogenetic location: 21q22.11.
Variant type: single nucleotide variant.
Coding change: c.407T>C on transcript NM_021254.4 (MANE Select); coding-DNA position 407, T replaced by C.
Protein change: p.Met136Thr; replaces methionine 136 with threonine.
Molecular consequence: missense variant. On other transcripts: non-coding transcript variant (2).
Genome position (GRCh38, 1-based): chr21:32,604,252, A>G on the plus strand (T>C on the coding strand, the complement: CFAP298 is on the minus strand). VCF-style: chr21-32604252-A-G. GRCh37 (hg19) VCF-style: chr21-33976562-A-G.
Other names: c.407T>C, p.Met136Thr (NM_001350338.2, NM_001350335.2, NM_001350336.2 and 1 more transcripts); c.110T>C, p.Met37Thr (NM_001350334.2); short protein forms M136T, M37T.
Identifiers: ClinVar variation 1518794 (VCV001518794.8), dbSNP rs1463669757, ClinGen allele CA410074625.
Genomic context (GRCh38, chr21:32,604,252, plus strand): 5'-ATGGGGTAAACAATCATCACCGCGCCTCGAAGCTGGTCCAAGGCATCTTTCACCATCTCC[A>G]TGGTAACACAGACACCGGCTTCCACTTGTTTCTGCAAGCAGAAAGCCATCGTTATCTACA-3'
Protein context (NP_067077.1, residues 126-146): KQVEAGVCVT[Met136Thr]EMVKDALDQL